The following is an entry in ClinVar:

ClinVar aggregate classification (germline): Uncertain significance (1 of 4 stars; one submission).

Conditions:
Metachromatic leukodystrophy (MLD). Also called: ARSA DEFICIENCY; CEREBROSIDE SULFATASE DEFICIENCY; METACHROMATIC LEUKOENCEPHALOPATHY; Cerebral sclerosis diffuse metachromatic form; Arylsulfatase A Deficiency; SULFATIDE LIPIDOSIS. Identifiers: Orphanet 512, MedGen C0023522, MONDO:0018868, OMIM 250100.

Submission:

Laboratory of Experimental Gene Therapy of Hereditary Metabolic Diseases, Research Centre for Medical Genetics
Classification: Uncertain significance for Metachromatic leukodystrophy. Last evaluated: 2026-09-17. Review status: criteria provided, single submitter. Criteria: ARSA MLD Assertion Criteria V2 2026 09 18. Collection method: clinical testing. Allele origin: germline. Inheritance: Autosomal recessive inheritance. Observed: 1 variant allele, 1 compound heterozygote.
Comment: Reassessed under ACMG/AMP 2015 with ClinGen SVI refinements and a Bayesian point framework (supporting=1, moderate=2, strong=4, very strong=8; 6-9 points=likely pathogenic; >=10 points=pathogenic). Final score: 5. Evidence applied: PM2_Supporting, PP3_Strong. Observations from the present referral series were excluded from classification.

NM_000487.6(ARSA):c.998C>A (p.Ala333Asp)

Gene: ARSA (arylsulfatase A; minus strand). Cytogenetic location: 22q13.33.
Variant type: single nucleotide variant.
Coding change: c.998C>A on transcript NM_000487.6 (MANE Select); coding-DNA position 998, C replaced by A.
Protein change: p.Ala333Asp; replaces alanine 333 with aspartic acid.
Molecular consequence: missense variant.
Genome position (GRCh38, 1-based): chr22:50,626,045, G>T on the plus strand (C>A on the coding strand, the complement: ARSA is on the minus strand). VCF-style: chr22-50626045-G-T. GRCh37 (hg19) VCF-style: chr22-51064473-G-T.
Other names: NP_000478.3:p.(Ala333Asp); c.998C>A, p.Ala333Asp (NM_001085425.3, NM_001085426.3, NM_001085427.3); c.740C>A, p.Ala247Asp (NM_001085428.3, NM_001362782.2); short protein forms A247D, A333D.
Identifiers: ClinVar variation 4850948 (VCV004850948.2).